The following is an entry in ClinVar:

NM_001041.4(SI):c.335A>T (p.His112Leu)

Gene: SI (sucrase-isomaltase; minus strand). Cytogenetic location: 3q26.1.
Variant type: single nucleotide variant.
Coding change: c.335A>T on transcript NM_001041.4 (MANE Select); coding-DNA position 335, A replaced by T.
Protein change: p.His112Leu; replaces histidine 112 with leucine.
Molecular consequence: missense variant.
Genome position (GRCh38, 1-based): chr3:165,069,116, T>A on the plus strand (A>T on the coding strand, the complement: SI is on the minus strand). VCF-style: chr3-165069116-T-A. GRCh37 (hg19) VCF-style: chr3-164786904-T-A.
Other names: short protein forms H112L.
Identifiers: ClinVar variation 2867893 (VCV002867893.3), dbSNP rs1245167930, ClinGen allele CA355035441.
Genomic context (GRCh38, chr3:165,069,116, plus strand): 5'-ATTATAACAGAGGACTTCTTACCAATACTTGTTGTTGTCATGTCTTGAACGTTATAACCA[T>A]GATTATCAACGAAGAAGCACCAAGGAATAAGAGAGTCATTCCACGGCCTCCAGCAGCAGC-3'
Protein context (NP_001032.2, residues 102-122): LIPWCFFVDN[His112Leu]GYNVQDMTTT

ClinVar aggregate classification (germline): Uncertain significance (1 of 4 stars; one submission).

Submission:

Labcorp Genetics (formerly Invitae), Labcorp
Classification: Uncertain significance. Last evaluated: 2024-10-16. Review status: criteria provided, single submitter. Criteria: Invitae Variant Classification Sherloc (09022015). Collection method: clinical testing. Allele origin: germline.
Comment: This sequence change replaces histidine, which is basic and polar, with leucine, which is neutral and non-polar, at codon 112 of the SI protein (p.His112Leu). This variant is not present in population databases (gnomAD no frequency). This variant has not been reported in the literature in individuals affected with SI-related conditions. Invitae Evidence Modeling of protein sequence and biophysical properties (such as structural, functional, and spatial information, amino acid conservation, physicochemical variation, residue mobility, and thermodynamic stability) has been performed for this missense variant. However, the output from this modeling did not meet the statistical confidence thresholds required to predict the impact of this variant on SI protein function. In summary, the available evidence is currently insufficient to determine the role of this variant in disease. Therefore, it has been classified as a Variant of Uncertain Significance.